The following is an entry in ClinVar:

NM_004533.4(MYBPC2):c.2200A>C (p.Ile734Leu)

Gene: MYBPC2 (myosin binding protein C2; plus strand). Cytogenetic location: 19q13.33.
Variant type: single nucleotide variant.
Coding change: c.2200A>C on transcript NM_004533.4 (MANE Select); coding-DNA position 2200, A replaced by C.
Protein change: p.Ile734Leu; replaces isoleucine 734 with leucine.
Molecular consequence: missense variant.
Genome position (GRCh38, 1-based): chr19:50,455,293, A>C. VCF-style: chr19-50455293-A-C. GRCh37 (hg19) VCF-style: chr19-50958550-A-C.
Other names: short protein forms I734L.
Identifiers: ClinVar variation 3043853 (VCV003043853.2), dbSNP rs186249573, ClinGen allele CA9597995.

ClinVar aggregate classification (germline): Likely benign (0 of 4 stars; one submission).

Conditions:
MYBPC2-related disorder. Also called: MYBPC2-related condition.

Allele frequency attached by ClinVar (database versions not stated): 1000 Genomes Project 30x 0.00047; 1000 Genomes Project 0.00060; ExAC 0.00127; gnomAD 0.00161; TOPMed 0.00170; ESP Exome Variant Server 0.00233.
gnomAD v4.1: 4,103 of 1,612,794 alleles (0.25%); highest among the groups gnomAD compares: Non-Finnish European, 0.32%; 7 homozygotes.

Submission:

PreventionGenetics, part of Exact Sciences
Classification: Likely benign for MYBPC2-related condition. Last evaluated: 2022-08-09. Review status: no assertion criteria provided. Collection method: clinical testing. Allele origin: germline.
Comment: This variant is classified as likely benign based on ACMG/AMP sequence variant interpretation guidelines (Richards et al. 2015 PMID: 25741868, with internal and published modifications).